The following is an entry in ClinVar:

ClinVar aggregate classification (germline): Uncertain significance (1 of 4 stars; one submission).

Conditions:
Familial cancer of breast. Also called: hereditary breast carcinoma; BREAST CANCER, FAMILIAL; Hereditary breast cancer. Identifiers: Orphanet 227535, MedGen C0346153, MONDO:0016419, OMIM 114480. Disease mechanism: loss of function.

Submission:

Labcorp Genetics (formerly Invitae), Labcorp
Classification: Uncertain significance for Familial cancer of breast. Last evaluated: 2023-01-16. Review status: criteria provided, single submitter. Criteria: Invitae Variant Classification Sherloc (09022015). Collection method: clinical testing. Allele origin: germline.
Comment: This sequence change replaces cysteine, which is neutral and slightly polar, with serine, which is neutral and polar, at codon 336 of the BARD1 protein (p.Cys336Ser). This variant is not present in population databases (gnomAD no frequency). This variant has not been reported in the literature in individuals affected with BARD1-related conditions. Algorithms developed to predict the effect of missense changes on protein structure and function output the following: SIFT: "Tolerated"; PolyPhen-2: "Benign"; Align-GVGD: "Class C0". The serine amino acid residue is found in multiple mammalian species, which suggests that this missense change does not adversely affect protein function. In summary, the available evidence is currently insufficient to determine the role of this variant in disease. Therefore, it has been classified as a Variant of Uncertain Significance.

NM_000465.4(BARD1):c.1006T>A (p.Cys336Ser)

Gene: BARD1 (BRCA1 associated RING domain 1; minus strand). Cytogenetic location: 2q35.
Variant type: single nucleotide variant.
Coding change: c.1006T>A on transcript NM_000465.4 (MANE Select); coding-DNA position 1006, T replaced by A.
Protein change: p.Cys336Ser; replaces cysteine 336 with serine.
Molecular consequence: missense variant. On other transcripts: non-coding transcript variant (2), intron variant (3).
Genome position (GRCh38, 1-based): chr2:214,780,868, A>T on the plus strand (T>A on the coding strand, the complement: BARD1 is on the minus strand). VCF-style: chr2-214780868-A-T. GRCh37 (hg19) VCF-style: chr2-215645592-A-T.
Other names: c.949T>A, p.Cys317Ser (NM_001282543.2); c.159-28313T>A (NM_001282548.2); c.215+16193T>A (NM_001282545.2); c.364+11429T>A (NM_001282549.2); short protein forms C317S, C336S.
Identifiers: ClinVar variation 2829285 (VCV002829285.3), dbSNP rs752869298, ClinGen allele CA350454408.